The following is an entry in ClinVar:

ClinVar aggregate classification (germline): Uncertain significance (1 of 4 stars; one submission).

Conditions:
Inborn genetic diseases. Identifiers: MedGen C0950123, MeSH D030342.

Submission:

Ambry Genetics
Classification: Uncertain significance for Inborn genetic diseases. Last evaluated: 2026-03-16. Review status: criteria provided, single submitter. Criteria: Ambry Variant Classification Scheme 2023. Collection method: clinical testing. Allele origin: germline.
Comment: The p.R300K variant (also known as c.899G>A), located in coding exon 9 of the ANKRD26 gene, results from a G to A substitution at nucleotide position 899. The arginine at codon 300 is replaced by lysine, an amino acid with highly similar properties. This amino acid position is conserved. In addition, this alteration is predicted to be tolerated by in silico analysis. Based on the available evidence, the clinical significance of this variant remains unclear.

NM_014915.3(ANKRD26):c.899G>A (p.Arg300Lys)

Gene: ANKRD26 (ankyrin repeat domain 26; minus strand). Cytogenetic location: 10p12.1.
Variant type: single nucleotide variant.
Coding change: c.899G>A on transcript NM_014915.3 (MANE Select); coding-DNA position 899, G replaced by A.
Protein change: p.Arg300Lys; replaces arginine 300 with lysine.
Molecular consequence: missense variant.
Genome position (GRCh38, 1-based): chr10:27,077,516, C>T on the plus strand (G>A on the coding strand, the complement: ANKRD26 is on the minus strand). VCF-style: chr10-27077516-C-T. GRCh37 (hg19) VCF-style: chr10-27366445-C-T.
Other names: c.899G>A, p.Arg300Lys (NM_001256053.2); short protein forms R300K.
Identifiers: ClinVar variation 4859005 (VCV004859005.1).
Genomic context (GRCh38, chr10:27,077,516, plus strand): 5'-ACCACAACTTCATCTTGACTATCGGAATCTCTATCCTCAAACAAAGTTCTATTTCCTGTT[C>T]TCACAGTGCCATATGTTGCTTCTACTACAGTAAAAACAAAATAAAGAGTAAATGAAAATA-3'
Protein context (NP_055730.2, residues 290-310): KNLEATYGTV[Arg300Lys]TGNRTLFEDR